The following is an entry in ClinVar:

ClinVar aggregate classification (germline): Uncertain significance (1 of 4 stars; one submission).

Conditions:
Emery-Dreifuss muscular dystrophy 5, autosomal dominant (EDMD5). Also called: EMERY-DREIFUSS MUSCULAR DYSTROPHY 5. Identifiers: Orphanet 261, MedGen C2751805, MONDO:0013072, OMIM 612999.

gnomAD v4.1: 2 of 1,614,090 alleles (0.00012%); highest among the groups gnomAD compares: Non-Finnish European, 0.00017%; no homozygotes.

Submission:

Labcorp Genetics (formerly Invitae), Labcorp
Classification: Uncertain significance for Emery-Dreifuss muscular dystrophy 5, autosomal dominant. Last evaluated: 2025-10-02. Review status: criteria provided, single submitter. Criteria: Invitae Variant Classification Sherloc (09022015). Collection method: clinical testing. Allele origin: germline.
Comment: This sequence change replaces serine, which is neutral and polar, with asparagine, which is neutral and polar, at codon 3452 of the SYNE2 protein (p.Ser3452Asn). This variant is present in population databases (rs369681118, gnomAD 0.0009%). This variant has not been reported in the literature in individuals affected with SYNE2-related conditions. ClinVar contains an entry for this variant (Variation ID: 3627941). An algorithm developed to predict the effect of missense changes on protein structure and function outputs the following: PolyPhen-2: "Benign". The asparagine amino acid residue is found in multiple mammalian species, which suggests that this missense change does not adversely affect protein function. In summary, the available evidence is currently insufficient to determine the role of this variant in disease. Therefore, it has been classified as a Variant of Uncertain Significance.

NM_182914.3(SYNE2):c.10355G>A (p.Ser3452Asn)

Gene: SYNE2 (spectrin repeat containing nuclear envelope protein 2; plus strand). Cytogenetic location: 14q23.2.
Variant type: single nucleotide variant.
Coding change: c.10355G>A on transcript NM_182914.3 (MANE Select); coding-DNA position 10355, G replaced by A.
Protein change: p.Ser3452Asn; replaces serine 3452 with asparagine.
Molecular consequence: missense variant.
Genome position (GRCh38, 1-based): chr14:64,065,574, G>A. VCF-style: chr14-64065574-G-A. GRCh37 (hg19) VCF-style: chr14-64532292-G-A.
Other names: c.10355G>A, p.Ser3452Asn (NM_015180.6); short protein forms S3452N.
Identifiers: ClinVar variation 3627941 (VCV003627941.2).
Genomic context (GRCh38, chr14:64,065,574, plus strand): 5'-CAGAAAATGATGGCATATGTTTGCTCAAGATTGTGTCGGCTCTGTGGGAGAAATGGCTGA[G>A]TTTGCTGGAAGCTGCTAAAGAGTGGGAGATGTGGTGCGAAGAACTGAAGCAGGAATGGAA-3'
Protein context (NP_878918.2, residues 3442-3462): IVSALWEKWL[Ser3452Asn]LLEAAKEWEM